The following is an entry in ClinVar:

NM_004336.5(BUB1):c.2782G>A (p.Gly928Arg)

Gene: BUB1 (BUB1 mitotic checkpoint serine/threonine kinase; minus strand). Cytogenetic location: 2q13.
Variant type: single nucleotide variant.
Coding change: c.2782G>A on transcript NM_004336.5 (MANE Select); coding-DNA position 2782, G replaced by A.
Protein change: p.Gly928Arg; replaces glycine 928 with arginine.
Molecular consequence: missense variant. On other transcripts: intron variant (1).
Genome position (GRCh38, 1-based): chr2:110,641,308, C>T on the plus strand (G>A on the coding strand, the complement: BUB1 is on the minus strand). VCF-style: chr2-110641308-C-T. GRCh37 (hg19) VCF-style: chr2-111398885-C-T.
Other names: c.2722G>A, p.Gly908Arg (NM_001278616.2); c.2626-116G>A (NM_001278617.2); short protein forms G928R, G908R.
Identifiers: ClinVar variation 2464603 (VCV002464603.3), dbSNP rs370046867, ClinGen allele CA53522137.

ClinVar aggregate classification (germline): Conflicting classifications of pathogenicity. Review status: criteria provided, conflicting classifications (1 of 4 stars). 2 submissions from 2 submitters: Uncertain significance (1); Likely benign (1). Last evaluated 2025-05-18.

Allele frequency attached by ClinVar (database versions not stated): gnomAD exomes 0.00002; gnomAD 0.00007; ESP Exome Variant Server 0.00015.
gnomAD v4.1: 43 of 1,604,700 alleles (0.0027%); highest among the groups gnomAD compares: African/African-American, 0.012%; no homozygotes.

Submissions (2):

Labcorp Genetics (formerly Invitae), Labcorp
Classification: Uncertain significance. Last evaluated: 2025-05-18. Review status: criteria provided, single submitter. Criteria: Invitae Variant Classification Sherloc (09022015). Collection method: clinical testing. Allele origin: germline.
Comment: This sequence change replaces glycine, which is neutral and non-polar, with arginine, which is basic and polar, at codon 928 of the BUB1 protein (p.Gly928Arg). This variant is present in population databases (rs370046867, gnomAD 0.01%). This variant has not been reported in the literature in individuals affected with BUB1-related conditions. ClinVar contains an entry for this variant (Variation ID: 2464603). Experimental studies and prediction algorithms are not available or were not evaluated, and the functional significance of this variant is currently unknown. In summary, the available evidence is currently insufficient to determine the role of this variant in disease. Therefore, it has been classified as a Variant of Uncertain Significance.

Ambry Genetics
Classification: Likely benign. Last evaluated: 2022-12-27. Review status: criteria provided, single submitter. Criteria: Ambry Variant Classification Scheme 2023. Collection method: clinical testing. Allele origin: germline.